The following is an entry in ClinVar:

NM_018082.6(POLR3B):c.2989C>A (p.Pro997Thr)

Genes: POLR3B (RNA polymerase III subunit B; plus strand), RFX4-AS1 (RFX4 antisense RNA 1; minus strand). Cytogenetic location: 12q23.3.
Variant type: single nucleotide variant.
Coding change: c.2989C>A on transcript NM_018082.6 (MANE Select); coding-DNA position 2989, C replaced by A.
Protein change: p.Pro997Thr; replaces proline 997 with threonine.
Molecular consequence: missense variant.
Genome position (GRCh38, 1-based): chr12:106,501,327, C>A. VCF-style: chr12-106501327-C-A. GRCh37 (hg19) VCF-style: chr12-106895105-C-A.
Other names: c.2815C>A, p.Pro939Thr (NM_001160708.2); short protein forms P939T, P997T.
Identifiers: ClinVar variation 5017474 (VCV005017474.1).
Genomic context (GRCh38, chr12:106,501,327, plus strand): 5'-TCTCTTGTTAGCCCAAACTTAGTTTCTTAACCCACAACAATTGATCTTTCTTTCAGTGAG[C>A]CCTTAGAAGCATACATCTATTTTGGCCCCGTGTACTATCAGAAGCTGAAACACATGGTGC-3'
Protein context (NP_060552.4, residues 987-1007): DYVTSGITGE[Pro997Thr]LEAYIYFGPV

ClinVar aggregate classification (germline): Uncertain significance (1 of 4 stars; one submission).

Submission:

GeneDx
Classification: Uncertain significance. Last evaluated: 2026-03-25. Review status: criteria provided, single submitter. Criteria: GeneDx Variant Classification Process June 2021. Collection method: clinical testing. Allele origin: germline.
Comment: Not observed at significant frequency in large population cohorts (gnomAD); In silico analysis supports that this missense variant has a deleterious effect on protein structure/function; Has not been previously published as pathogenic or benign to our knowledge